The following is an entry in ClinVar:

ClinVar aggregate classification (germline): Pathogenic. Review status: criteria provided, multiple submitters, no conflicts (2 of 4 stars). 2 submissions from 2 submitters: Pathogenic (2). Last evaluated 2025-10-16.

Conditions:
Retinitis pigmentosa 1 (RP1). Identifiers: Orphanet 791, MedGen C0220701, MONDO:0008377, OMIM 180100.

Submissions (2):

Labcorp Genetics (formerly Invitae), Labcorp
Classification: Pathogenic. Last evaluated: 2025-10-16. Review status: criteria provided, single submitter. Criteria: Invitae Variant Classification Sherloc (09022015). Collection method: clinical testing. Allele origin: germline.
Comment: This sequence change creates a premature translational stop signal (p.Gly694Glufs*9) in the RP1 gene. While this is not anticipated to result in nonsense mediated decay, it is expected to disrupt the last 1463 amino acid(s) of the RP1 protein. This variant is not present in population databases (gnomAD no frequency). This variant has not been reported in the literature in individuals affected with RP1-related conditions. ClinVar contains an entry for this variant (Variation ID: 1213902). This variant disrupts the C-terminus of the RP1 protein. Many variants that disrupt this region have been reported in individuals with either autosomal dominant or autosomal recessive retinitis pigmentosa (PMID: 11527933, 19933189, 29425069, 30027431, 33681214). Therefore, variants that disrupt this region are expected to be disease-causing. For these reasons, this variant has been classified as Pathogenic.

DBGen Ocular Genomics
Classification: Pathogenic for Retinitis pigmentosa 1. Last evaluated: 2021-06-21. Review status: criteria provided, single submitter. Criteria: ACMG Guidelines, 2015. Collection method: clinical testing. Allele origin: germline. Affected: yes. Observed: 1 variant allele.

Literature cited by the submitters: PubMed 11527933 (cited by Labcorp Genetics (formerly Invitae), Labcorp); PubMed 19933189 (cited by Labcorp Genetics (formerly Invitae), Labcorp); PubMed 29425069 (cited by Labcorp Genetics (formerly Invitae), Labcorp); PubMed 30027431 (cited by Labcorp Genetics (formerly Invitae), Labcorp); PubMed 33681214 (cited by Labcorp Genetics (formerly Invitae), Labcorp).

NM_006269.2(RP1):c.2079del (p.Gly694fs)

Gene: RP1 (RP1 axonemal microtubule associated; plus strand). Cytogenetic location: 8q12.1.
Variant type: Deletion.
Coding change: c.2079del on transcript NM_006269.2 (MANE Select); coding-DNA position 2079, one base deleted (A; older notation c.2079delA).
Protein change: p.Gly694fs; shifts the reading frame from glycine 694.
Molecular consequence: frameshift variant. On other transcripts: intron variant (1).
Genome position (GRCh38, 1-based): chr8:54,625,961, A deleted; the last of 3 consecutive A bases (chr8:54,625,959-54,625,961); deleting any one gives the same sequence. VCF-style (leftmost placement, unchanged base first): chr8-54625958-CA-C. GRCh37 (hg19) VCF-style: chr8-55538518-CA-C.
Other names: c.787+3673del (NM_001375654.1); short protein forms G694fs.
Identifiers: ClinVar variation 1213902 (VCV001213902.3), dbSNP rs2129316415, ClinGen allele CA2499219347.
Genomic context (GRCh38, chr8:54,625,958, plus strand): 5'-GAAGAAAAAATCTCGACAGCAAGCAATAAATTCCAGGTATCAAGATGGACAGCTTGCAAC[CA>C]AAGGAATTCTTAATAAGAATGAGAGAATAAACACAAAAGGTAGAATTACAAAGGAAATGA-3'